The following is an entry in ClinVar:

ClinVar aggregate classification (germline): Uncertain significance. Review status: criteria provided, multiple submitters, no conflicts (2 of 4 stars). 2 submissions from 2 submitters: Uncertain significance (2). Last evaluated 2025-07-22.

Conditions:
Inborn genetic diseases. Identifiers: MedGen C0950123, MeSH D030342.

gnomAD v4.1: 7 of 1,614,124 alleles (0.00043%); highest among the groups gnomAD compares: Non-Finnish European, 0.00059%; no homozygotes.

Submissions (2):

Labcorp Genetics (formerly Invitae), Labcorp
Classification: Uncertain significance. Last evaluated: 2025-07-22. Review status: criteria provided, single submitter. Criteria: Invitae Variant Classification Sherloc (09022015). Collection method: clinical testing. Allele origin: germline.
Comment: This sequence change replaces glutamine, which is neutral and polar, with lysine, which is basic and polar, at codon 546 of the MECOM protein (p.Gln546Lys). This variant is not present in population databases (gnomAD no frequency). This variant has not been reported in the literature in individuals affected with MECOM-related conditions. ClinVar contains an entry for this variant (Variation ID: 3293930). An algorithm developed to predict the effect of missense changes on protein structure and function (PolyPhen-2) suggests that this variant is likely to be tolerated. In summary, the available evidence is currently insufficient to determine the role of this variant in disease. Therefore, it has been classified as a Variant of Uncertain Significance.

Ambry Genetics
Classification: Uncertain significance for Inborn genetic diseases. Last evaluated: 2025-05-15. Review status: criteria provided, single submitter. Criteria: Ambry Variant Classification Scheme 2023. Collection method: clinical testing. Allele origin: germline.
Comment: The p.Q734K variant (also known as c.2200C>A), located in coding exon 8 of the MECOM gene, results from a C to A substitution at nucleotide position 2200. The glutamine at codon 734 is replaced by lysine, an amino acid with similar properties. This amino acid position is conserved. In addition, this alteration is predicted to be tolerated by in silico analysis. Based on the available evidence, the clinical significance of this variant remains unclear.

NM_004991.4(MECOM):c.2200C>A (p.Gln734Lys)

Gene: MECOM (MDS1 and EVI1 complex locus; minus strand). Cytogenetic location: 3q26.2.
Variant type: single nucleotide variant.
Coding change: c.2200C>A on transcript NM_004991.4 (MANE Select); coding-DNA position 2200, C replaced by A.
Protein change: p.Gln734Lys; replaces glutamine 734 with lysine.
Molecular consequence: missense variant.
Genome position (GRCh38, 1-based): chr3:169,115,672, G>T on the plus strand (C>A on the coding strand, the complement: MECOM is on the minus strand). VCF-style: chr3-169115672-G-T. GRCh37 (hg19) VCF-style: chr3-168833460-G-T.
Other names: c.1831C>A, p.Gln611Lys (NM_001105077.4); c.1636C>A, p.Gln546Lys (NM_001105078.4, NM_001164000.2, NM_001205194.2 and 4 more transcripts); c.1639C>A, p.Gln547Lys (NM_001163999.2, NM_001366467.2, NM_001366468.2 and 1 more transcripts); c.2200C>A, p.Gln734Lys (NM_001366466.2); c.1228C>A, p.Gln410Lys (NM_001366473.2); c.664C>A, p.Gln222Lys (NM_001366474.2); short protein forms Q410K, Q734K, Q222K, Q547K, Q546K, Q611K.
Identifiers: ClinVar variation 3293930 (VCV003293930.3).